The following is an entry in ClinVar:

NM_000391.4(TPP1):c.5G>A (p.Gly2Glu)

Gene: TPP1 (tripeptidyl peptidase 1; minus strand). Cytogenetic location: 11p15.4.
Variant type: single nucleotide variant.
Coding change: c.5G>A on transcript NM_000391.4 (MANE Select); coding-DNA position 5, G replaced by A.
Protein change: p.Gly2Glu; replaces glycine 2 with glutamic acid.
Molecular consequence: missense variant.
Genome position (GRCh38, 1-based): chr11:6,619,396, C>T on the plus strand (G>A on the coding strand, the complement: TPP1 is on the minus strand). VCF-style: chr11-6619396-C-T. GRCh37 (hg19) VCF-style: chr11-6640627-C-T.
Other names: short protein forms G2E.
Identifiers: ClinVar variation 1380907 (VCV001380907.3), dbSNP rs1486495937, ClinGen allele CA379477113.

ClinVar aggregate classification (germline): Uncertain significance (1 of 4 stars; one submission).

Allele frequency attached by ClinVar (database versions not stated): gnomAD exomes below 0.00001.

Submission:

Labcorp Genetics (formerly Invitae), Labcorp
Classification: Uncertain significance. Last evaluated: 2021-10-24. Review status: criteria provided, single submitter. Criteria: Invitae Variant Classification Sherloc (09022015). Collection method: clinical testing. Allele origin: germline.
Comment: This sequence change replaces glycine, which is neutral and non-polar, with glutamic acid, which is acidic and polar, at codon 2 of the TPP1 protein (p.Gly2Glu). This variant is present in population databases (no rsID available, gnomAD 0.0009%). This variant has not been reported in the literature in individuals affected with TPP1-related conditions. Advanced modeling of protein sequence and biophysical properties (such as structural, functional, and spatial information, amino acid conservation, physicochemical variation, residue mobility, and thermodynamic stability) performed at Invitae indicates that this missense variant is not expected to disrupt TPP1 protein function. In summary, the available evidence is currently insufficient to determine the role of this variant in disease. Therefore, it has been classified as a Variant of Uncertain Significance.